The following is an entry in ClinVar:

ClinVar aggregate classification (germline): Uncertain significance (1 of 4 stars; one submission).

Conditions:
Muscular dystrophy-dystroglycanopathy (congenital with brain and eye anomalies), type a, 11 (MDDGA11). Also called: WALKER-WARBURG SYNDROME OR MUSCLE-EYE-BRAIN DISEASE, B3GALNT2-RELATED; Congenital muscular dystrophy-dystroglycanopathy with brain and eye anomalies, type A11; Muscular dystrophy-dystroglycanopathy (congenital with brain and eye anomalies, type A, 11. Identifiers: Orphanet 588, Orphanet 899, MedGen C3554638, MONDO:0014071, OMIM 615181.

Submission:

Labcorp Genetics (formerly Invitae), Labcorp
Classification: Uncertain significance for Muscular dystrophy-dystroglycanopathy (congenital with brain and eye anomalies), type a, 11. Last evaluated: 2023-10-03. Review status: criteria provided, single submitter. Criteria: Invitae Variant Classification Sherloc (09022015). Collection method: clinical testing. Allele origin: germline.
Comment: This sequence change falls in intron 5 of the B3GALNT2 gene. It does not directly change the encoded amino acid sequence of the B3GALNT2 protein. It affects a nucleotide within the consensus splice site. This variant is not present in population databases (gnomAD no frequency). This variant has not been reported in the literature in individuals affected with B3GALNT2-related conditions. ClinVar contains an entry for this variant (Variation ID: 2026822). Variants that disrupt the consensus splice site are a relatively common cause of aberrant splicing (PMID: 17576681, 9536098). Algorithms developed to predict the effect of sequence changes on RNA splicing suggest that this variant may disrupt the consensus splice site. In summary, the available evidence is currently insufficient to determine the role of this variant in disease. Therefore, it has been classified as a Variant of Uncertain Significance.

Literature cited by the submitters: PubMed 17576681; PubMed 9536098.

NM_152490.5(B3GALNT2):c.651+3A>G

Gene: B3GALNT2 (beta-1,3-N-acetylgalactosaminyltransferase 2; minus strand). Cytogenetic location: 1q42.3.
Variant type: single nucleotide variant.
Coding change: c.651+3A>G on transcript NM_152490.5 (MANE Select); 3 bases into the intron after coding-DNA position 651, A replaced by G.
Molecular consequence: intron variant.
Genome position (GRCh38, 1-based): chr1:235,480,051, T>C on the plus strand (A>G on the coding strand, the complement: B3GALNT2 is on the minus strand). VCF-style: chr1-235480051-T-C. GRCh37 (hg19) VCF-style: chr1-235643367-T-C.
Other names: c.774+3A>G (NM_001277155.3).
Identifiers: ClinVar variation 2026822 (VCV002026822.4), dbSNP rs2527287605, ClinGen allele CA2580062298.